The following is an entry in ClinVar:

ClinVar aggregate classification (germline): Uncertain significance (1 of 4 stars; one submission).

Submission:

Labcorp Genetics (formerly Invitae), Labcorp
Classification: Uncertain significance. Last evaluated: 2022-08-14. Review status: criteria provided, single submitter. Criteria: Invitae Variant Classification Sherloc (09022015). Collection method: clinical testing. Allele origin: germline.
Comment: This sequence change replaces proline, which is neutral and non-polar, with threonine, which is neutral and polar, at codon 3980 of the VPS13D protein (p.Pro3980Thr). This variant is not present in population databases (gnomAD no frequency). This variant has not been reported in the literature in individuals affected with VPS13D-related conditions. Algorithms developed to predict the effect of missense changes on protein structure and function are either unavailable or do not agree on the potential impact of this missense change (SIFT: "Not Available"; PolyPhen-2: "Benign"; Align-GVGD: "Not Available"). In summary, the available evidence is currently insufficient to determine the role of this variant in disease. Therefore, it has been classified as a Variant of Uncertain Significance.

NM_015378.4(VPS13D):c.11938C>A (p.Pro3980Thr)

Gene: VPS13D (vacuolar protein sorting 13 homolog D; plus strand). Cytogenetic location: 1p36.22.
Variant type: single nucleotide variant.
Coding change: c.11938C>A on transcript NM_015378.4 (MANE Select); coding-DNA position 11938, C replaced by A.
Protein change: p.Pro3980Thr; replaces proline 3980 with threonine.
Molecular consequence: missense variant.
Genome position (GRCh38, 1-based): chr1:12,403,881, C>A. VCF-style: chr1-12403881-C-A. GRCh37 (hg19) VCF-style: chr1-12463934-C-A.
Other names: c.11863C>A, p.Pro3955Thr (NM_018156.4); short protein forms P3980T, P3955T.
Identifiers: ClinVar variation 1716446 (VCV001716446.5), dbSNP rs2521537842, ClinGen allele CA338485973.